The following is an entry in ClinVar:

NM_003184.4(TAF2):c.3533dup (p.Glu1179fs)

Gene: TAF2 (TATA-box binding protein associated factor 2; minus strand). Cytogenetic location: 8q24.12.
Variant type: Duplication.
Coding change: c.3533dup on transcript NM_003184.4 (MANE Select); coding-DNA position 3533, one base duplicated (A; older notation c.3533dupA).
Protein change: p.Glu1179fs; shifts the reading frame from glutamic acid 1179.
Molecular consequence: frameshift variant.
Genome position (GRCh38, 1-based): chr8:119,731,991, T duplicated on the plus strand (A on the coding strand, the reverse complement: TAF2 is on the minus strand); the first of 2 consecutive T bases (chr8:119,731,991-119,731,992); duplicating either gives the same sequence. VCF-style (leftmost placement, unchanged base first): chr8-119731990-C-CT. GRCh37 (hg19) VCF-style: chr8-120744230-C-CT.
Other names: short protein forms E1179fs.
Identifiers: ClinVar variation 2018901 (VCV002018901.4), dbSNP rs2488061139, ClinGen allele CA2580078563.

ClinVar aggregate classification (germline): Uncertain significance (1 of 4 stars; one submission).

Submission:

Labcorp Genetics (formerly Invitae), Labcorp
Classification: Uncertain significance. Last evaluated: 2024-10-16. Review status: criteria provided, single submitter. Criteria: Invitae Variant Classification Sherloc (09022015). Collection method: clinical testing. Allele origin: germline.
Comment: This sequence change results in a frameshift in the TAF2 gene (p.Glu1179Glyfs*40). While this is not anticipated to result in nonsense mediated decay, it is expected to disrupt the last 21 amino acid(s) of the TAF2 protein and extend the protein by 18 additional amino acid residues. This variant is not present in population databases (gnomAD no frequency). This variant has not been reported in the literature in individuals affected with TAF2-related conditions. ClinVar contains an entry for this variant (Variation ID: 2018901). In summary, the available evidence is currently insufficient to determine the role of this variant in disease. Therefore, it has been classified as a Variant of Uncertain Significance.